The following is an entry in ClinVar:

NM_033028.5(BBS4):c.1479_1481del (p.Lys493_Pro494delinsAsn)

Gene: BBS4 (Bardet-Biedl syndrome 4; plus strand). Cytogenetic location: 15q24.1.
Variant type: Deletion.
Coding change: c.1479_1481del on transcript NM_033028.5 (MANE Select); coding-DNA positions 1479 to 1481, 3 bases deleted (GCC; older notation c.1479_1481delGCC).
Protein change: p.Lys493_Pro494delinsAsn.
Molecular consequence: inframe indel. On other transcripts: non-coding transcript variant (2).
Genome position (GRCh38, 1-based): chr15:72,737,506-72,737,508, GCC deleted. VCF-style (leftmost placement, unchanged base first): chr15-72737505-AGCC-A. GRCh37 (hg19) VCF-style: chr15-73029846-AGCC-A.
Other names: c.963_965del, p.Lys321_Pro322delinsAsn (NM_001252678.2); c.1410_1412del, p.Lys470_Pro471delinsAsn (NM_001320665.2).
Identifiers: ClinVar variation 3040854 (VCV003040854.2), dbSNP rs2065948907, ClinGen allele CA971353477.

ClinVar aggregate classification (germline): Uncertain significance (0 of 4 stars; one submission).

Conditions:
BBS4-related disorder. Also called: BBS4-related condition.

Allele frequency attached by ClinVar (database versions not stated): gnomAD 0.00001; TOPMed 0.00001.

Submission:

PreventionGenetics, part of Exact Sciences
Classification: Uncertain significance for BBS4-related condition. Last evaluated: 2023-10-31. Review status: no assertion criteria provided. Collection method: clinical testing. Allele origin: germline.
Comment: The BBS4 c.1479_1481delGCC variant is predicted to result in an in-frame deletion (p.Lys493_Pro494delinsAsn). To our knowledge, this variant has not been reported in the literature or in a large population database, indicating this variant is rare. At this time, the clinical significance of this variant is uncertain due to the absence of conclusive functional and genetic evidence.